The following is an entry in ClinVar:

ClinVar aggregate classification (germline): Uncertain significance (1 of 4 stars; one submission).

Conditions:
Hereditary nonpolyposis colorectal neoplasms. Identifiers: MedGen C0009405, MeSH D003123.

Submission:

Labcorp Genetics (formerly Invitae), Labcorp
Classification: Uncertain significance for Hereditary nonpolyposis colorectal neoplasms. Last evaluated: 2019-12-30. Review status: criteria provided, single submitter. Criteria: Invitae Variant Classification Sherloc (09022015). Collection method: clinical testing. Allele origin: germline.
Comment: In summary, the available evidence is currently insufficient to determine the role of this variant in disease. Therefore, it has been classified as a Variant of Uncertain Significance. Nucleotide substitutions within the consensus splice site are a relatively common cause of aberrant splicing (PMID: 17576681, 9536098). Algorithms developed to predict the effect of sequence changes on RNA splicing suggest that this variant may disrupt the consensus splice site, but this prediction has not been confirmed by published transcriptional studies. This variant has not been reported in the literature in individuals with PMS2-related conditions. The frequency data for this variant in the population databases (ExAC) is considered unreliable due to the presence of homologous sequence, such as pseudogenes or paralogs, in the genome. This sequence change affects an acceptor splice site in the last intron (intron 14) of the PMS2 gene. While this is not anticipated to result in nonsense mediated decay, it likely alters RNA splicing and results in a disrupted protein product.

Literature cited by the submitters: PubMed 17576681; PubMed 9536098.

NM_000535.7(PMS2):c.2446-2A>C

Gene: PMS2 (PMS1 homolog 2, mismatch repair system component; minus strand). Cytogenetic location: 7p22.1.
Variant type: single nucleotide variant.
Coding change: c.2446-2A>C on transcript NM_000535.7 (MANE Select); the canonical splice acceptor site of the intron before coding-DNA position 2446, A replaced by C.
Molecular consequence: splice acceptor variant.
Genome position (GRCh38, 1-based): chr7:5,973,544, T>G on the plus strand (A>C on the coding strand, the complement: PMS2 is on the minus strand). VCF-style: chr7-5973544-T-G. GRCh37 (hg19) VCF-style: chr7-6013175-T-G.
Other names: c.2128-2A>C (NM_001322008.2, NM_001406883.1, NM_001322007.2); c.2137-2A>C (NM_001406881.1, NM_001406879.1, NM_001322015.2 and 4 more transcripts); c.2041-2A>C (NM_001406895.1, NM_001322004.2, NM_001406889.1 and 11 more transcripts); c.1675-2A>C (NM_001406911.1); c.1885-2A>C (NM_001322010.2, NM_001406906.1, NM_001406907.1); c.1972-2A>C (NM_001406902.1, NM_001406901.1); c.1933-2A>C (NM_001406904.1, NM_001406905.1); c.1873-2A>C (NM_001322013.2, NM_001406908.1, NM_001406909.1); and 20 more.
Identifiers: ClinVar variation 852067 (VCV000852067.9), dbSNP rs886039709, ClinGen allele CA366735048.